The following is an entry in ClinVar:

NM_000038.6(APC):c.1888_1894del (p.Ala630fs)

Gene: APC (APC regulator of Wnt signaling pathway; plus strand). Cytogenetic location: 5q22.2.
Variant type: Deletion.
Coding change: c.1888_1894del on transcript NM_000038.6 (MANE Select); coding-DNA positions 1888 to 1894, 7 bases deleted (GCCATTA; older notation c.1888_1894delGCCATTA).
Protein change: p.Ala630fs; shifts the reading frame from alanine 630.
Molecular consequence: frameshift variant. On other transcripts: non-coding transcript variant (2).
Genome position (GRCh38, 1-based): chr5:112,835,095-112,835,101, GCCATTA deleted; deleting any 7 consecutive bases within chr5:112,835,092-112,835,101 gives the same sequence; the c. name uses the placement nearest the transcript's 3' end. VCF-style (leftmost placement, unchanged base first): chr5-112835091-TTTAGCCA-T. GRCh37 (hg19) VCF-style: chr5-112170788-TTTAGCCA-T.
Other names: c.1888_1894del, p.Ala630fs (NM_001127510.3, NM_001354895.2, NM_001407450.1); c.1834_1840del, p.Ala612fs (NM_001127511.3); c.1942_1948del, p.Ala648fs (NM_001354896.2, NM_001407447.1, NM_001407448.1 and 1 more transcripts); c.1918_1924del, p.Ala640fs (NM_001354897.2); c.1813_1819del, p.Ala605fs (NM_001354898.2); c.1804_1810del, p.Ala602fs (NM_001354899.2); c.1765_1771del, p.Ala589fs (NM_001354900.2); c.1711_1717del, p.Ala571fs (NM_001354901.2, NM_001407453.1); and 11 more; short protein forms A347fs, A571fs, A504fs, A529fs, A539fs, A547fs, A605fs, A623fs.
Identifiers: ClinVar variation 2698424 (VCV002698424.3), dbSNP rs2533340453, ClinGen allele CA2697546205.

ClinVar aggregate classification (germline): Pathogenic (1 of 4 stars; one submission).

Conditions:
Familial adenomatous polyposis 1 (FAP1). Also called: FAMILIAL ADENOMATOUS POLYPOSIS 1, ATTENUATED; POLYPOSIS, ADENOMATOUS INTESTINAL. Identifiers: MedGen C2713442, MONDO:0021056, OMIM 175100. Disease mechanism: loss of function.

Submission:

Labcorp Genetics (formerly Invitae), Labcorp
Classification: Pathogenic for Familial adenomatous polyposis 1. Last evaluated: 2023-11-24. Review status: criteria provided, single submitter. Criteria: Invitae Variant Classification Sherloc (09022015). Collection method: clinical testing. Allele origin: germline.
Comment: This sequence change creates a premature translational stop signal (p.Ala630Leufs*14) in the APC gene. While this is not anticipated to result in nonsense mediated decay, it is expected to disrupt the last 2214 amino acid(s) of the APC protein. This variant is not present in population databases (gnomAD no frequency). This variant has not been reported in the literature in individuals affected with APC-related conditions. A different truncation (p.Tyr2645Lysfs*14) that lies downstream of this variant has been determined to be pathogenic (PMID: 9824584, 1316610, 27081525, 8381579, 22135120, Invitae). This suggests that deletion of this region of the APC protein is causative of disease. This variant is expected to disrupt the EB1 and HDLG binding sites, which mediate interactions with the cytoskeleton (PMID: 15311282, 17293347). While functional studies have not been performed to directly test the effect on APC protein function, this suggests that disruption of the C-terminal portion of the protein is functionally important. For these reasons, this variant has been classified as Pathogenic.

Literature cited by the submitters: PubMed 9824584; PubMed 1316610; PubMed 27081525; PubMed 8381579; PubMed 22135120; PubMed 15311282; PubMed 17293347.